The following is an entry in ClinVar:

NM_015466.4(PTPN23):c.166G>A (p.Val56Ile)

Gene: PTPN23 (protein tyrosine phosphatase non-receptor type 23; plus strand). Cytogenetic location: 3p21.31.
Variant type: single nucleotide variant.
Coding change: c.166G>A on transcript NM_015466.4 (MANE Select); coding-DNA position 166, G replaced by A.
Protein change: p.Val56Ile; replaces valine 56 with isoleucine.
Molecular consequence: missense variant. On other transcripts: intron variant (1).
Genome position (GRCh38, 1-based): chr3:47,404,658, G>A. VCF-style: chr3-47404658-G-A. GRCh37 (hg19) VCF-style: chr3-47446148-G-A.
Other names: c.-91-347G>A (NM_001304482.2); short protein forms V56I.
Identifiers: ClinVar variation 2580698 (VCV002580698.1), dbSNP rs150804434, ClinGen allele CA2365238.
Genomic context (GRCh38, chr3:47,404,658, plus strand): 5'-CGTGTCCACTGCCCCATATGACAACAGGCCTGCTTCTCCCATCCTGCCCCCCAGAATGCT[G>A]TCCGTGTCCCACGAGACTTTGAGGGCTGTAGTGTCCTCCGCAAGTACCTCGGCCAGCTTC-3'
Protein context (NP_056281.1, residues 46-66): KKLELLRQNA[Val56Ile]RVPRDFEGCS

ClinVar aggregate classification (germline): Uncertain significance (1 of 4 stars; one submission).

Allele frequency attached by ClinVar (database versions not stated): TOPMed 0.00002; ESP Exome Variant Server 0.00008.
gnomAD v4.1: 5 of 1,613,782 alleles (0.00031%); highest among the groups gnomAD compares: African/African-American, 0.0053%; no homozygotes.

Submission:

GeneDx
Classification: Uncertain significance. Last evaluated: 2023-03-24. Review status: criteria provided, single submitter. Criteria: GeneDx Variant Classification Process June 2021. Collection method: clinical testing. Allele origin: germline. Affected: yes.
Comment: Not observed at significant frequency in large population cohorts (gnomAD); In silico analysis supports that this missense variant does not alter protein structure/function; Has not been previously published as pathogenic or benign to our knowledge